The following is an entry in ClinVar:

ClinVar aggregate classification (germline): Uncertain significance (1 of 4 stars; one submission).

Conditions:
Gastrointestinal stromal tumor. Also called: Gastrointestinal stromal tumor, somatic; Gastrointestinal stroma tumor. Identifiers: Orphanet 44890, MedGen C0238198, MeSH D046152, MONDO:0011719, OMIM 606764, HP:0100723.

Submission:

Labcorp Genetics (formerly Invitae), Labcorp
Classification: Uncertain significance for Gastrointestinal stromal tumor. Last evaluated: 2021-10-25. Review status: criteria provided, single submitter. Criteria: Invitae Variant Classification Sherloc (09022015). Collection method: clinical testing. Allele origin: germline.
Comment: In summary, the available evidence is currently insufficient to determine the role of this variant in disease. Therefore, it has been classified as a Variant of Uncertain Significance. Algorithms developed to predict the effect of missense changes on protein structure and function are either unavailable or do not agree on the potential impact of this missense change (SIFT: "Tolerated"; PolyPhen-2: "Possibly Damaging"; Align-GVGD: "Class C0"). This variant has not been reported in the literature in individuals affected with PDGFRA-related conditions. This variant is not present in population databases (ExAC no frequency). This sequence change replaces glutamic acid with aspartic acid at codon 331 of the PDGFRA protein (p.Glu331Asp). The glutamic acid residue is highly conserved and there is a small physicochemical difference between glutamic acid and aspartic acid.

NM_006206.6(PDGFRA):c.993A>T (p.Glu331Asp)

Gene: PDGFRA (platelet derived growth factor receptor alpha; plus strand). Cytogenetic location: 4q12.
Variant type: single nucleotide variant.
Coding change: c.993A>T on transcript NM_006206.6 (MANE Select); coding-DNA position 993, A replaced by T.
Protein change: p.Glu331Asp; replaces glutamic acid 331 with aspartic acid.
Molecular consequence: missense variant.
Genome position (GRCh38, 1-based): chr4:54,267,613, A>T. VCF-style: chr4-54267613-A-T. GRCh37 (hg19) VCF-style: chr4-55133780-A-T.
Other names: c.993A>T, p.Glu331Asp (NM_001347827.2, NM_001347829.2); c.1068A>T, p.Glu356Asp (NM_001347828.2); c.1032A>T, p.Glu344Asp (NM_001347830.2); short protein forms E331D, E356D, E344D.
Identifiers: ClinVar variation 1037819 (VCV001037819.14), dbSNP rs1723112220, ClinGen allele CA356891566.